The following is an entry in ClinVar:

NM_001128178.3(NPHP1):c.263T>C (p.Leu88Pro)

Gene: NPHP1 (nephrocystin 1; minus strand). Cytogenetic location: 2q13.
Variant type: single nucleotide variant.
Coding change: c.263T>C on transcript NM_001128178.3 (MANE Select); coding-DNA position 263, T replaced by C.
Protein change: p.Leu88Pro; replaces leucine 88 with proline.
Molecular consequence: missense variant. On other transcripts: intron variant (1).
Genome position (GRCh38, 1-based): chr2:110,178,489, A>G on the plus strand (T>C on the coding strand, the complement: NPHP1 is on the minus strand). VCF-style: chr2-110178489-A-G. GRCh37 (hg19) VCF-style: chr2-110936066-A-G.
Other names: c.263T>C, p.Leu88Pro (NM_000272.5, NM_001374256.1, NM_001374257.1 and 1 more transcripts); c.144-8491T>C (NM_001128179.3); c.263T>C (NM_000272.3); short protein forms L88P.
Identifiers: ClinVar variation 2164995 (VCV002164995.3), dbSNP rs749844095, ClinGen allele CA1827457.

ClinVar aggregate classification (germline): Uncertain significance. Review status: criteria provided, multiple submitters, no conflicts (2 of 4 stars). 2 submissions from 2 submitters: Uncertain significance (2). Last evaluated 2025-10-22.

Conditions:
Inborn genetic diseases. Identifiers: MedGen C0950123, MeSH D030342.
Nephronophthisis. Also called: Juvenile Nephronophthisis. Identifiers: Orphanet 655, MedGen C0687120, MONDO:0019005, HP:0000090.

Allele frequency attached by ClinVar (database versions not stated): TOPMed below 0.00001; ExAC 0.00001; gnomAD 0.00001; gnomAD exomes 0.00001.
gnomAD v4.1: 4 of 1,613,754 alleles (0.00025%); highest among the groups gnomAD compares: African/African-American, 0.0053%; no homozygotes.

Submissions (2):

Ambry Genetics
Classification: Uncertain significance for Inborn genetic diseases. Last evaluated: 2025-10-22. Review status: criteria provided, single submitter. Criteria: Ambry Variant Classification Scheme 2023. Collection method: clinical testing. Allele origin: germline.

Labcorp Genetics (formerly Invitae), Labcorp
Classification: Uncertain significance for Nephronophthisis. Last evaluated: 2024-02-16. Review status: criteria provided, single submitter. Criteria: Invitae Variant Classification Sherloc (09022015). Collection method: clinical testing. Allele origin: germline.
Comment: This sequence change replaces leucine, which is neutral and non-polar, with proline, which is neutral and non-polar, at codon 88 of the NPHP1 protein (p.Leu88Pro). This variant is present in population databases (rs749844095, gnomAD 0.02%). This variant has not been reported in the literature in individuals affected with NPHP1-related conditions. ClinVar contains an entry for this variant (Variation ID: 2164995). Advanced modeling of protein sequence and biophysical properties (such as structural, functional, and spatial information, amino acid conservation, physicochemical variation, residue mobility, and thermodynamic stability) performed at Invitae indicates that this missense variant is not expected to disrupt NPHP1 protein function with a negative predictive value of 80%. In summary, the available evidence is currently insufficient to determine the role of this variant in disease. Therefore, it has been classified as a Variant of Uncertain Significance.